The following is an entry in ClinVar:

NM_020693.4(DSCAML1):c.4433-10G>A

Gene: DSCAML1 (DS cell adhesion molecule like 1; minus strand). Cytogenetic location: 11q23.3.
Variant type: single nucleotide variant.
Coding change: c.4433-10G>A on transcript NM_020693.4 (MANE Select); 10 bases into the intron before coding-DNA position 4433, G replaced by A.
Molecular consequence: intron variant.
Genome position (GRCh38, 1-based): chr11:117,437,419, C>T on the plus strand (G>A on the coding strand, the complement: DSCAML1 is on the minus strand). VCF-style: chr11-117437419-C-T. GRCh37 (hg19) VCF-style: chr11-117308135-C-T.
Identifiers: ClinVar variation 2040045 (VCV002040045.4), dbSNP rs200707521, ClinGen allele CA6296372.

ClinVar aggregate classification (germline): Uncertain significance (1 of 4 stars; one submission).

Allele frequency attached by ClinVar (database versions not stated): TOPMed below 0.00001; ExAC 0.00001.

Submission:

Labcorp Genetics (formerly Invitae), Labcorp
Classification: Uncertain significance. Last evaluated: 2024-11-11. Review status: criteria provided, single submitter. Criteria: Invitae Variant Classification Sherloc (09022015). Collection method: clinical testing. Allele origin: germline.
Comment: This sequence change falls in intron 25 of the DSCAML1 gene. It does not directly change the encoded amino acid sequence of the DSCAML1 protein. This variant is not present in population databases (gnomAD no frequency). This variant has not been reported in the literature in individuals affected with DSCAML1-related conditions. ClinVar contains an entry for this variant (Variation ID: 2040045). Algorithms developed to predict the effect of sequence changes on RNA splicing suggest that this variant may disrupt the consensus splice site. In summary, the available evidence is currently insufficient to determine the role of this variant in disease. Therefore, it has been classified as a Variant of Uncertain Significance.